The following is an entry in ClinVar:

ClinVar aggregate classification (germline): Uncertain significance. Review status: criteria provided, multiple submitters, no conflicts (2 of 4 stars). 2 submissions from 2 submitters: Uncertain significance (2). Last evaluated 2024-03-27.

Conditions:
Fanconi anemia (FA). Also called: Fanconi's anemia. Identifiers: Orphanet 84, MedGen C0015625, MeSH D005199, MONDO:0019391.
Fanconi anemia complementation group I (FANCI). Also called: FANCI-Related Fanconi Anemia. Identifiers: Orphanet 84, MedGen C1836861, MONDO:0012186, OMIM 609053.

Allele frequency attached by ClinVar (database versions not stated): gnomAD 0.00001; gnomAD exomes 0.00001 and 0.00002; ExAC 0.00002; TOPMed 0.00002.

Submissions (2):

Fulgent Genetics
Classification: Uncertain significance for Fanconi anemia complementation group I. Last evaluated: 2024-03-27. Review status: criteria provided, single submitter. Criteria: ACMG Guidelines, 2015. Collection method: clinical testing. Allele origin: germline.

Labcorp Genetics (formerly Invitae), Labcorp
Classification: Uncertain significance for Fanconi anemia. Last evaluated: 2021-07-20. Review status: criteria provided, single submitter. Criteria: Invitae Variant Classification Sherloc (09022015). Collection method: clinical testing. Allele origin: germline.
Comment: This sequence change falls in intron 18 of the FANCI gene. It does not directly change the encoded amino acid sequence of the FANCI protein, but it affects a nucleotide within the consensus splice site of the intron. This variant is present in population databases (rs769718753, ExAC 0.02%). This variant has not been reported in the literature in individuals with FANCI-related conditions. Nucleotide substitutions within the consensus splice site are a relatively common cause of aberrant splicing (PMID: 17576681, 9536098). Algorithms developed to predict the effect of sequence changes on RNA splicing suggest that this variant may disrupt the consensus splice site, but this prediction has not been confirmed by published transcriptional studies. In summary, the available evidence is currently insufficient to determine the role of this variant in disease. Therefore, it has been classified as a Variant of Uncertain Significance.

Literature cited by the submitters: PubMed 17576681 (cited by Labcorp Genetics (formerly Invitae), Labcorp); PubMed 9536098 (cited by Labcorp Genetics (formerly Invitae), Labcorp).

NM_001113378.2(FANCI):c.1821+5G>A

Gene: FANCI (FA complementation group I; plus strand). Cytogenetic location: 15q26.1.
Variant type: single nucleotide variant.
Coding change: c.1821+5G>A on transcript NM_001113378.2 (MANE Select); 5 bases into the intron after coding-DNA position 1821, G replaced by A.
Molecular consequence: intron variant.
Genome position (GRCh38, 1-based): chr15:89,285,223, G>A. VCF-style: chr15-89285223-G-A. GRCh37 (hg19) VCF-style: chr15-89828454-G-A.
Other names: c.1821+5G>A (NM_018193.3, NM_001376911.1); c.1542+5G>A (NM_001376910.1).
Identifiers: ClinVar variation 1022621 (VCV001022621.5), dbSNP rs769718753, ClinGen allele CA7723160.